The following is an entry in ClinVar:

ClinVar aggregate classification (germline): Benign/Likely benign. Review status: criteria provided, multiple submitters, no conflicts (2 of 4 stars). 2 submissions from 2 submitters: Benign (1); Likely benign (1). Last evaluated 2023-01-01.

Conditions:
Doyne honeycomb retinal dystrophy (DHRD). Also called: DOYNE HONEYCOMB DEGENERATION OF RETINA; MALATTIA LEVENTINESE; DRUSEN, RADIAL, AUTOSOMAL DOMINANT. Identifiers: Orphanet 75376, MedGen C1832174, MONDO:0007471, OMIM 126600.

Allele frequency attached by ClinVar (database versions not stated): gnomAD exomes 0.00011; TOPMed 0.00045; gnomAD 0.00128 and 0.00149; 1000 Genomes Project 0.00200; 1000 Genomes Project 30x 0.00250.
gnomAD v4.1: 326 of 985,748 alleles (0.033%); highest among the groups gnomAD compares: East Asian, 1.4%; 8 homozygotes.

Submissions (2):

CeGaT Center for Human Genetics Tuebingen
Classification: Likely benign. Last evaluated: 2023-01-01. Review status: criteria provided, single submitter. Criteria: CeGaT Center For Human Genetics Tuebingen Variant Classification Criteria Version 2. Collection method: clinical testing. Allele origin: germline. Affected: yes. Observed: 1 variant allele.
Comment: EFEMP1: BS1

Illumina Laboratory Services, Illumina
Classification: Benign for Doyne honeycomb retinal dystrophy. Last evaluated: 2018-01-12. Review status: criteria provided, single submitter. Criteria: ICSL Variant Classification Criteria 13 December 2019. Collection method: clinical testing. Allele origin: germline.
Comment: This variant was observed in the ICSL laboratory as part of a predisposition screen in an ostensibly healthy population. It had not been previously curated by ICSL or reported in the Human Gene Mutation Database (HGMD: prior to June 1st, 2018), and was therefore a candidate for classification through an automated scoring system. Utilizing variant allele frequency, disease prevalence and penetrance estimates, and inheritance mode, an automated score was calculated to assess if this variant is too frequent to cause the disease. Based on the score and internal cut-off values, a variant classified as benign is not then subjected to further curation. The score for this variant resulted in a classification of benign for this disease.

NM_001039348.3(EFEMP1):c.-64C>T

Gene: EFEMP1 (EGF-like fibulin extracellular matrix protein 1; minus strand). Cytogenetic location: 2p16.1.
Variant type: single nucleotide variant.
Coding change: c.-64C>T on transcript NM_001039348.3 (MANE Select); 64 bases upstream of the start codon, C replaced by T.
Molecular consequence: 5 prime UTR variant.
Genome position (GRCh38, 1-based): chr2:55,923,726, G>A on the plus strand (C>T on the coding strand, the complement: EFEMP1 is on the minus strand). VCF-style: chr2-55923726-G-A. GRCh37 (hg19) VCF-style: chr2-56150861-G-A.
Other names: c.-23C>T (NM_001039349.3).
Identifiers: ClinVar variation 336636 (VCV000336636.29), dbSNP rs3762516, ClinGen allele CA10615602.